The following is an entry in ClinVar:

NM_003072.5(SMARCA4):c.4624G>C (p.Glu1542Gln)

Gene: SMARCA4 (SWI/SNF related, matrix associated, actin dependent regulator of chromatin, subfamily a, member 4; plus strand). Cytogenetic location: 19p13.2.
Variant type: single nucleotide variant.
Coding change: c.4624G>C on transcript NM_003072.5 (MANE Select); coding-DNA position 4624, G replaced by C.
Protein change: p.Glu1542Gln; replaces glutamic acid 1542 with glutamine.
Molecular consequence: missense variant. On other transcripts: non-coding transcript variant (1).
Genome position (GRCh38, 1-based): chr19:11,058,878, G>C. VCF-style: chr19-11058878-G-C. GRCh37 (hg19) VCF-style: chr19-11169554-G-C.
Other names: c.4624G>C, p.Glu1542Gln (NM_001128844.3); c.4534G>C, p.Glu1512Gln (NM_001128845.2); c.4531G>C, p.Glu1511Gln (NM_001128846.2); c.4525G>C, p.Glu1509Gln (NM_001128847.4, NM_001374457.1); c.4522G>C, p.Glu1508Gln (NM_001128848.2); c.4720G>C, p.Glu1574Gln (NM_001128849.3, NM_001387283.1); short protein forms E1574Q, E1508Q, E1509Q, E1542Q, E1511Q, E1512Q.
Identifiers: ClinVar variation 388626 (VCV000388626.2), dbSNP rs1057523176, ClinGen allele CA16608813.

ClinVar aggregate classification (germline): Uncertain significance (1 of 4 stars; one submission).

Submission:

GeneDx
Classification: Uncertain significance. Last evaluated: 2016-08-18. Review status: criteria provided, single submitter. Criteria: GeneDx Variant Classification (06012015). Collection method: clinical testing. Allele origin: germline. Affected: yes.
Comment: The E1574Q variant in the SMARCA4 gene has not been reported previously as a pathogenic variant, nor as a benign variant, to our knowledge. The E1574Q variant was not observed in approximately 6500 individuals of European and African American ancestry in the NHLBI Exome Sequencing Project, indicating it is not a common benign variant in these populations. The E1574Q variant is a semi-conservative amino acid substitution, which may impact secondary protein structure as these residues differ in some properties. This substitution occurs within the Bromo domain (Witkowski et al., 2014) at a position that is conserved across species, although in silico analysis is inconsistent in its predictions as to whether or not the variant is damaging to the protein structure/function. Therefore, we interpret E1574Q as a variant of uncertain significance.